The following is an entry in ClinVar:

NM_001394998.1(TANC2):c.1920_1921insCCCGGATTATGGGGATACAATTGTATCGTTTCTGAGTAAAATGATC (p.Gly641delinsProGlyLeuTrpGlyTyrAsnCysIleValSerGluTer)

Gene: TANC2 (tetratricopeptide repeat, ankyrin repeat and coiled-coil containing 2; plus strand). Cytogenetic location: 17q23.3.
Variant type: Insertion.
Coding change: c.1920_1921insCCCGGATTATGGGGATACAATTGTATCGTTTCTGAGTAAAATGATC on transcript NM_001394998.1 (MANE Select); coding-DNA positions 1920 to 1921, CCCGGATTATGGGGATACAATTGTATCGTTTCTGAGTAAAATGATC inserted.
Protein change: p.Gly641delinsProGlyLeuTrpGlyTyrAsnCysIleValSerGluTer.
Molecular consequence: nonsense.
Genome position: GRCh38: chr17:63,351,362-63,351,363. GRCh37 (hg19): chr17:61,428,723-61,428,724.
Other names: c.1698_1699insCCCGGATTATGGGGATACAATTGTATCGTTTCTGAGTAAAATGATC, p.Gly567delinsProGlyLeuTrpGlyTyrAsnCysIleValSerGluTer (NM_001411076.1, NM_025185.4).
Identifiers: ClinVar variation 5041598 (VCV005041598.1).

ClinVar aggregate classification (germline): Pathogenic (1 of 4 stars; one submission).

Submission:

CeGaT Center for Human Genetics Tuebingen
Classification: Pathogenic. Last evaluated: 2026-09-01. Review status: criteria provided, single submitter. Criteria: CeGaT Center For Human Genetics Tuebingen Variant Classification Criteria Version 2. Collection method: clinical testing. Allele origin: germline. Affected: yes. Observed: 1 variant allele.
Comment: TANC2: PVS1, PM2